The following is an entry in ClinVar:

ClinVar aggregate classification (germline): Conflicting classifications of pathogenicity. Review status: criteria provided, conflicting classifications (1 of 4 stars). 4 submissions from 4 submitters: Uncertain significance (2); Likely benign (2). Last evaluated 2026-06-01.

Conditions:
Inborn genetic diseases. Identifiers: MedGen C0950123, MeSH D030342.

Allele frequency attached by ClinVar (database versions not stated): gnomAD exomes 0.00012 and 0.00027; ExAC 0.00021; ESP Exome Variant Server 0.00023; gnomAD 0.00023 and 0.00024; TOPMed 0.00023.

Submissions (4):

CeGaT Center for Human Genetics Tuebingen
Classification: Uncertain significance. Last evaluated: 2026-06-01. Review status: criteria provided, single submitter. Criteria: CeGaT Center For Human Genetics Tuebingen Variant Classification Criteria Version 2. Collection method: clinical testing. Allele origin: germline. Affected: yes. Observed: 1 variant allele.
Comment: MCM3AP: PM2, BP4

Labcorp Genetics (formerly Invitae), Labcorp
Classification: Likely benign. Last evaluated: 2025-11-13. Review status: criteria provided, single submitter. Criteria: Invitae Variant Classification Sherloc (09022015). Collection method: clinical testing. Allele origin: germline.

Women's Health and Genetics/Laboratory Corporation of America, LabCorp
Classification: Likely benign. Last evaluated: 2025-04-02. Review status: criteria provided, single submitter. Criteria: LabCorp Variant Classification Summary - May 2015. Collection method: clinical testing. Allele origin: germline.
Comment: Variant summary: MCM3AP c.577T>C (p.Ser193Pro) results in a non-conservative amino acid change in the encoded protein sequence. Four of five in-silico tools predict a benign effect of the variant on protein function. The variant allele was found at a frequency of 0.00025 in 282210 control chromosomes, predominantly at a frequency of 0.0048 within the Ashkenazi Jewish subpopulation in the gnomAD database. The observed variant frequency within Ashkenazi Jewish control individuals in the gnomAD database is approximately 4 fold of the estimated maximal expected allele frequency for a pathogenic variant in MCM3AP causing Peripheral neuropathy, autosomal recessive, with or without impaired intellectual development phenotype (0.0011). To our knowledge, no occurrence of c.577T>C in individuals affected with Peripheral neuropathy, autosomal recessive, with or without impaired intellectual development and no experimental evidence demonstrating its impact on protein function have been reported. ClinVar contains an entry for this variant (Variation ID: 1672851). Based on the evidence outlined above, the variant was classified as likely benign.

Ambry Genetics
Classification: Uncertain significance for Inborn genetic diseases. Last evaluated: 2021-07-14. Review status: criteria provided, single submitter. Criteria: Ambry Variant Classification Scheme 2023. Collection method: clinical testing. Allele origin: germline.

NM_003906.5(MCM3AP):c.577T>C (p.Ser193Pro)

Gene: MCM3AP (minichromosome maintenance complex component 3 associated protein; minus strand). Cytogenetic location: 21q22.3.
Variant type: single nucleotide variant.
Coding change: c.577T>C on transcript NM_003906.5 (MANE Select); coding-DNA position 577, T replaced by C.
Protein change: p.Ser193Pro; replaces serine 193 with proline.
Molecular consequence: missense variant.
Genome position (GRCh38, 1-based): chr21:46,284,710, A>G on the plus strand (T>C on the coding strand, the complement: MCM3AP is on the minus strand). VCF-style: chr21-46284710-A-G. GRCh37 (hg19) VCF-style: chr21-47704624-A-G.
Other names: c.577T>C (NM_003906.3); short protein forms S193P.
Identifiers: ClinVar variation 1672851 (VCV001672851.13), dbSNP rs142054590, ClinGen allele CA10077317.